The following is an entry in ClinVar:

ClinVar aggregate classification (germline): Uncertain significance. Review status: criteria provided, multiple submitters, no conflicts (2 of 4 stars). 2 submissions from 2 submitters: Uncertain significance (2). Last evaluated 2022-03-09.

Conditions:
Developmental and epileptic encephalopathy, 12 (DEE12). Identifiers: MedGen C3150988, MONDO:0013389, OMIM 613722.

gnomAD v4.1: 1 of 1,612,886 alleles (0.000062%); highest among the groups gnomAD compares: African/African-American, 0.0013%; no homozygotes.

Submissions (2):

GeneDx
Classification: Uncertain significance. Last evaluated: 2022-03-09. Review status: criteria provided, single submitter. Criteria: GeneDx Variant Classification Process June 2021. Collection method: clinical testing. Allele origin: germline. Affected: yes.
Comment: Not observed at significant frequency in large population cohorts (gnomAD); In silico analysis supports that this missense variant does not alter protein structure/function; Has not been previously published as pathogenic or benign to our knowledge

Labcorp Genetics (formerly Invitae), Labcorp
Classification: Uncertain significance for Developmental and epileptic encephalopathy, 12. Last evaluated: 2021-08-14. Review status: criteria provided, single submitter. Criteria: Invitae Variant Classification Sherloc (09022015). Collection method: clinical testing. Allele origin: germline.
Comment: This sequence change replaces serine with arginine at codon 853 of the PLCB1 protein (p.Ser853Arg). The serine residue is moderately conserved and there is a moderate physicochemical difference between serine and arginine. This variant is not present in population databases (ExAC no frequency). This variant has not been reported in the literature in individuals affected with PLCB1-related conditions. Algorithms developed to predict the effect of missense changes on protein structure and function (SIFT, PolyPhen-2, Align-GVGD) all suggest that this variant is likely to be tolerated. In summary, the available evidence is currently insufficient to determine the role of this variant in disease. Therefore, it has been classified as a Variant of Uncertain Significance.

NM_015192.4(PLCB1):c.2559T>A (p.Ser853Arg)

Gene: PLCB1 (phospholipase C beta 1; plus strand). Cytogenetic location: 20p12.3.
Variant type: single nucleotide variant.
Coding change: c.2559T>A on transcript NM_015192.4 (MANE Select); coding-DNA position 2559, T replaced by A.
Protein change: p.Ser853Arg; replaces serine 853 with arginine.
Molecular consequence: missense variant.
Genome position (GRCh38, 1-based): chr20:8,757,081, T>A. VCF-style: chr20-8757081-T-A. GRCh37 (hg19) VCF-style: chr20-8737728-T-A.
Other names: c.2559T>A, p.Ser853Arg (NM_182734.3); short protein forms S853R.
Identifiers: ClinVar variation 1402459 (VCV001402459.6), dbSNP rs753642857, ClinGen allele CA408206998.